The following is an entry in ClinVar:

ClinVar aggregate classification (germline): Conflicting classifications of pathogenicity. Review status: criteria provided, conflicting classifications (1 of 4 stars). 4 submissions from 4 submitters: Uncertain significance (3); Likely benign (1). Last evaluated 2025-07-08.

Conditions:
Hereditary cancer-predisposing syndrome. Also called: Neoplastic Syndromes, Hereditary; Tumor predisposition; Hereditary neoplastic syndrome; Hereditary Cancer Syndrome. Identifiers: Orphanet 140162, MedGen C0027672, MeSH D009386, MONDO:0015356.
Hereditary breast ovarian cancer syndrome. Also called: Hereditary breast and ovarian cancer syndrome; Hereditary breast and ovarian cancer; Hereditary breast and ovarian cancer syndrome (HBOC); Breast and ovarian cancer; Hereditary breast and/or ovarian cancer syndrome; BRCA1- and BRCA2-Associated Hereditary Breast and Ovarian Cancer. Identifiers: Orphanet 145, MedGen C0677776, MeSH D061325, MONDO:0003582. Disease mechanism: loss of function.

Allele frequency attached by ClinVar (database versions not stated): TOPMed below 0.00001.
gnomAD v4.1: 1 of 1,613,282 alleles (0.000062%); highest among the groups gnomAD compares: Non-Finnish European, 0.000085%; no homozygotes.

Submissions (4):

Labcorp Genetics (formerly Invitae), Labcorp
Classification: Uncertain significance for Hereditary breast ovarian cancer syndrome. Last evaluated: 2025-07-08. Review status: criteria provided, single submitter. Criteria: Invitae Variant Classification Sherloc (09022015). Collection method: clinical testing. Allele origin: germline.
Comment: This sequence change replaces arginine, which is basic and polar, with tryptophan, which is neutral and slightly polar, at codon 1217 of the BRCA2 protein (p.Arg1217Trp). This variant is not present in population databases (gnomAD no frequency). This variant has not been reported in the literature in individuals affected with BRCA2-related conditions. ClinVar contains an entry for this variant (Variation ID: 628130). Invitae Evidence Modeling of protein sequence and biophysical properties (such as structural, functional, and spatial information, amino acid conservation, physicochemical variation, residue mobility, and thermodynamic stability) indicates that this missense variant is not expected to disrupt BRCA2 protein function with a negative predictive value of 95%. In summary, the available evidence is currently insufficient to determine the role of this variant in disease. Therefore, it has been classified as a Variant of Uncertain Significance.

Ambry Genetics
Classification: Uncertain significance for Hereditary cancer-predisposing syndrome. Last evaluated: 2024-08-06. Review status: criteria provided, single submitter. Criteria: Ambry Variant Classification Scheme 2023. Collection method: clinical testing. Allele origin: germline.
Comment: The p.R1217W variant (also known as c.3649A>T), located in coding exon 10 of the BRCA2 gene, results from an A to T substitution at nucleotide position 3649. The arginine at codon 1217 is replaced by tryptophan, an amino acid with dissimilar properties. This amino acid position is poorly conserved in available vertebrate species. In addition, the in silico prediction for this alteration is inconclusive. Since supporting evidence is limited at this time, the clinical significance of this alteration remains unclear.

University of Washington Department of Laboratory Medicine, University of Washington
Classification: Likely benign for Hereditary cancer-predisposing syndrome. Last evaluated: 2023-03-23. Review status: criteria provided, single submitter. Criteria: Dines et al. (Genet Med. 2020). Collection method: curation. Allele origin: germline.
Comment: Missense variant in a coldspot region where missense variants are very unlikely to be pathogenic (PMID:31911673).

BRCA2 exon 11 coldspot. Reclassification based on statistical prior probability.

Color Diagnostics, LLC DBA Color Health
Classification: Uncertain significance for Hereditary cancer-predisposing syndrome. Last evaluated: 2019-05-05. Review status: criteria provided, single submitter. Criteria: ACMG Guidelines, 2015. Collection method: clinical testing. Allele origin: germline.

NM_000059.4(BRCA2):c.3649A>T (p.Arg1217Trp)

Gene: BRCA2 (BRCA2 DNA repair associated; plus strand). Cytogenetic location: 13q13.1.
Variant type: single nucleotide variant.
Coding change: c.3649A>T on transcript NM_000059.4 (MANE Select); coding-DNA position 3649, A replaced by T.
Protein change: p.Arg1217Trp; replaces arginine 1217 with tryptophan.
Molecular consequence: missense variant.
Genome position (GRCh38, 1-based): chr13:32,338,004, A>T. VCF-style: chr13-32338004-A-T. GRCh37 (hg19) VCF-style: chr13-32912141-A-T.
Other names: short protein forms R1217W.
Identifiers: ClinVar variation 628130 (VCV000628130.19), dbSNP rs1410046826, ClinGen allele CA387777951.